The following is an entry in ClinVar:

NM_000260.4(MYO7A):c.4650_4659del (p.Ala1551fs)

Gene: MYO7A (myosin VIIA; plus strand). Cytogenetic location: 11q13.5.
Variant type: Deletion.
Coding change: c.4650_4659del on transcript NM_000260.4 (MANE Select); coding-DNA positions 4650 to 4659, 10 bases deleted (GGCGGGGCCC; older notation c.4650_4659delGGCGGGGCCC).
Protein change: p.Ala1551fs; shifts the reading frame from alanine 1551.
Molecular consequence: frameshift variant. On other transcripts: intron variant (2).
Genome position (GRCh38, 1-based): chr11:77,199,616-77,199,625, GGCGGGGCCC deleted; deleting any 10 consecutive bases within chr11:77,199,613-77,199,625 gives the same sequence; the c. name uses the placement nearest the transcript's 3' end. VCF-style (leftmost placement, unchanged base first): chr11-77199612-CCCCGGCGGGG-C. GRCh37 (hg19) VCF-style: chr11-76910657-CCCCGGCGGGG-C.
Other names: c.4536-33_4536-24del (NM_001369365.1); c.4569-33_4569-24del (NM_001127180.2); short protein forms A1551fs.
Identifiers: ClinVar variation 2036588 (VCV002036588.4), dbSNP rs2497589650, ClinGen allele CA2580084898.
Genomic context (GRCh38, chr11:77,199,612, plus strand): 5'-TCTCACTGGGCTGCTCTGATCTTGGCTGTGCTGCGCCTCACTCAGGCTGGGCAGGACTGA[CCCCGGCGGGG>C]CCCTGTTCTCCGTGTTGGTCCTGCAGGGGAGCGAAAACGACGGCCCCCAGCTTCACGCTG-3'

ClinVar aggregate classification (germline): Pathogenic (1 of 4 stars; one submission).

Submission:

Labcorp Genetics (formerly Invitae), Labcorp
Classification: Pathogenic. Last evaluated: 2022-10-23. Review status: criteria provided, single submitter. Criteria: Invitae Variant Classification Sherloc (09022015). Collection method: clinical testing. Allele origin: germline.
Comment: For these reasons, this variant has been classified as Pathogenic. Algorithms developed to predict the effect of sequence changes on RNA splicing suggest that this variant may disrupt the consensus splice site. This variant has not been reported in the literature in individuals affected with MYO7A-related conditions. This variant is not present in population databases (gnomAD no frequency). This sequence change creates a premature translational stop signal (p.Ala1551Valfs*45) in the MYO7A gene. It is expected to result in an absent or disrupted protein product. Loss-of-function variants in MYO7A are known to be pathogenic (PMID: 8900236, 25404053).

Literature cited by the submitters: PubMed 8900236; PubMed 25404053.